The following is an entry in ClinVar:

NM_002691.4(POLD1):c.1856C>A (p.Thr619Asn)

Gene: POLD1 (DNA polymerase delta 1, catalytic subunit; plus strand). Cytogenetic location: 19q13.33.
Variant type: single nucleotide variant.
Coding change: c.1856C>A on transcript NM_002691.4 (MANE Select); coding-DNA position 1856, C replaced by A.
Protein change: p.Thr619Asn; replaces threonine 619 with asparagine.
Molecular consequence: missense variant. On other transcripts: non-coding transcript variant (1).
Genome position (GRCh38, 1-based): chr19:50,408,865, C>A. VCF-style: chr19-50408865-C-A. GRCh37 (hg19) VCF-style: chr19-50912122-C-A.
Other names: c.1856C>A, p.Thr619Asn (NM_001256849.1); c.1934C>A, p.Thr645Asn (NM_001308632.1); c.1856C>A (NM_002691.2); short protein forms T619N, T645N.
Identifiers: ClinVar variation 1346774 (VCV001346774.9), dbSNP rs780291643, ClinGen allele CA9596294.

ClinVar aggregate classification (germline): Uncertain significance. Review status: criteria provided, multiple submitters, no conflicts (2 of 4 stars). 2 submissions from 2 submitters: Uncertain significance (2). Last evaluated 2023-09-20.

Conditions:
POLD1-related polyposis and colorectal cancer syndrome (CRCS10). Also called: Colorectal cancer, susceptibility to, 10; Colorectal cancer 10; COLORECTAL CANCER, SUSCEPTIBILITY TO, ON CHROMOSOME 19q. Identifiers: Orphanet 220460, MedGen C2675481, MONDO:0012953, OMIM 612591.
Hereditary cancer-predisposing syndrome. Also called: Tumor predisposition; Hereditary Cancer Syndrome; Hereditary neoplastic syndrome; Neoplastic Syndromes, Hereditary. Identifiers: Orphanet 140162, MedGen C0027672, MeSH D009386, MONDO:0015356.

Allele frequency attached by ClinVar (database versions not stated): ExAC 0.00001; gnomAD exomes below 0.00001.
gnomAD v4.1: 2 of 1,613,824 alleles (0.00012%); highest among the groups gnomAD compares: East Asian, 0.0022%; no homozygotes.

Submissions (2):

Ambry Genetics
Classification: Uncertain significance for Hereditary cancer-predisposing syndrome. Last evaluated: 2023-09-20. Review status: criteria provided, single submitter. Criteria: Ambry Variant Classification Scheme 2023. Collection method: clinical testing. Allele origin: germline.
Comment: The p.T619N variant (also known as c.1856C>A), located in coding exon 14 of the POLD1 gene, results from a C to A substitution at nucleotide position 1856. The threonine at codon 619 is replaced by asparagine, an amino acid with similar properties. This amino acid position is conserved. In addition, this alteration is predicted to be tolerated by in silico analysis. Since supporting evidence is limited at this time, the clinical significance of this alteration remains unclear.

Labcorp Genetics (formerly Invitae), Labcorp
Classification: Uncertain significance for POLD1-related polyposis and colorectal cancer syndrome. Last evaluated: 2021-04-19. Review status: criteria provided, single submitter. Criteria: Invitae Variant Classification Sherloc (09022015). Collection method: clinical testing. Allele origin: germline.
Comment: In summary, the available evidence is currently insufficient to determine the role of this variant in disease. Therefore, it has been classified as a Variant of Uncertain Significance. This sequence change replaces threonine with asparagine at codon 619 of the POLD1 protein (p.Thr619Asn). The threonine residue is highly conserved and there is a small physicochemical difference between threonine and asparagine. This variant is present in population databases (rs780291643, ExAC 0.01%). This variant has not been reported in the literature in individuals with POLD1-related conditions. Algorithms developed to predict the effect of missense changes on protein structure and function (SIFT, PolyPhen-2, Align-GVGD) all suggest that this variant is likely to be disruptive, but these predictions have not been confirmed by published functional studies and their clinical significance is uncertain.